The following is an entry in ClinVar:

ClinVar aggregate classification (germline): Uncertain significance (1 of 4 stars; one submission).

Conditions:
Lethal congenital contracture syndrome 4 (LCCS4). Identifiers: MedGen C3554046, MONDO:0013965, OMIM 614915.
Myopathy, congenital, with tremor. Also called: CONGENITAL MYOPATHY 16; myogenic tremor. Identifiers: MedGen C5231401, MONDO:0032797, OMIM 618524.

Submission:

Kariminejad - Najmabadi Pathology & Genetics Center
Classification: Uncertain significance for Lethal congenital contracture syndrome 4; Myopathy, congenital, with tremor. Last evaluated: 2021-11-01. Review status: criteria provided, single submitter. Criteria: ACMG Guidelines, 2015. Collection method: clinical testing. Allele origin: germline. Inheritance: Autosomal dominant inheritance. Affected: yes.
Comment: PM1 PM2 PP3

NM_002465.4(MYBPC1):c.532T>C (p.Cys178Arg)

Gene: MYBPC1 (myosin binding protein C1; plus strand). Cytogenetic location: 12q23.2.
Variant type: single nucleotide variant.
Coding change: c.532T>C on transcript NM_002465.4 (MANE Select); coding-DNA position 532, T replaced by C.
Protein change: p.Cys178Arg; replaces cysteine 178 with arginine.
Molecular consequence: missense variant.
Genome position (GRCh38, 1-based): chr12:101,632,114, T>C. VCF-style: chr12-101632114-T-C. GRCh37 (hg19) VCF-style: chr12-102025892-T-C.
Other names: c.457T>C, p.Cys153Arg (NM_001254718.3, NM_001254719.3, NM_001254721.3 and 4 more transcripts); c.421T>C, p.Cys141Arg (NM_001254720.3); c.379T>C, p.Cys127Arg (NM_001254722.3, NM_001404677.1, NM_001404679.1 and 2 more transcripts); c.418T>C, p.Cys140Arg (NM_001254723.3); c.532T>C, p.Cys178Arg (NM_001404675.1, NM_206819.4); short protein forms C127R, C140R, C141R, C153R, C178R.
Identifiers: ClinVar variation 3896924 (VCV003896924.1).